The following is an entry in ClinVar:

ClinVar aggregate classification (germline): Conflicting classifications of pathogenicity. Review status: criteria provided, conflicting classifications (1 of 4 stars). 2 submissions from 2 submitters: Uncertain significance (1); Benign (1). Last evaluated 2024-11-16.

Conditions:
Tuberous sclerosis 2 (TSC2). Identifiers: Orphanet 805, MedGen C1860707, MONDO:0013199, OMIM 613254.
Hereditary cancer-predisposing syndrome. Also called: Hereditary Cancer Syndrome; Hereditary neoplastic syndrome; Neoplastic Syndromes, Hereditary; Tumor predisposition. Identifiers: Orphanet 140162, MedGen C0027672, MeSH D009386, MONDO:0015356.

Submissions (2):

Ambry Genetics
Classification: Uncertain significance for Hereditary cancer-predisposing syndrome. Last evaluated: 2024-11-16. Review status: criteria provided, single submitter. Criteria: Ambry Variant Classification Scheme 2023. Collection method: clinical testing. Allele origin: germline.
Comment: The p.L122R variant (also known as c.365T>G), located in coding exon 4 of the TSC2 gene, results from a T to G substitution at nucleotide position 365. The leucine at codon 122 is replaced by arginine, an amino acid with dissimilar properties. This amino acid position is conserved. In addition, the in silico prediction for this alteration is inconclusive. Based on the available evidence, the clinical significance of this variant remains unclear.

Labcorp Genetics (formerly Invitae), Labcorp
Classification: Benign for Tuberous sclerosis 2. Last evaluated: 2024-06-03. Review status: criteria provided, single submitter. Criteria: Invitae Variant Classification Sherloc (09022015). Collection method: clinical testing. Allele origin: germline.

NM_000548.5(TSC2):c.365T>G (p.Leu122Arg)

Gene: TSC2 (TSC complex subunit 2; plus strand). Cytogenetic location: 16p13.3.
Variant type: single nucleotide variant.
Coding change: c.365T>G on transcript NM_000548.5 (MANE Select); coding-DNA position 365, T replaced by G.
Protein change: p.Leu122Arg; replaces leucine 122 with arginine.
Molecular consequence: missense variant. On other transcripts: 5 prime UTR variant (14), non-coding transcript variant (5), intron variant (6).
Genome position (GRCh38, 1-based): chr16:2,054,324, T>G. VCF-style: chr16-2054324-T-G. GRCh37 (hg19) VCF-style: chr16-2104325-T-G.
Other names: c.365T>G, p.Leu122Arg (NM_001077183.3, NM_001114382.3, NM_001363528.2 and 8 more transcripts); c.254T>G, p.Leu85Arg (NM_001318827.2, NM_001406670.1, NM_001406678.1); c.218T>G, p.Leu73Arg (NM_001318829.2, NM_001406675.1, NM_001406676.1 and 1 more transcripts); c.398T>G, p.Leu133Arg (NM_001318832.2); c.455T>G, p.Leu152Arg (NM_001406667.1, NM_001406668.1); c.308T>G, p.Leu103Arg (NM_001406677.1); c.-452T>G (NM_001406680.1, NM_001406683.1, NM_001406687.1); c.-81T>G (NM_001406681.1); and 6 more; short protein forms L103R, L133R, L122R, L85R, L152R, L73R.
Identifiers: ClinVar variation 3462682 (VCV003462682.3).